The following is an entry in ClinVar:

ClinVar aggregate classification (germline): Likely pathogenic. Review status: criteria provided, multiple submitters, no conflicts (2 of 4 stars). 2 submissions from 2 submitters: Likely pathogenic (2). Last evaluated 2025-09-10.

Conditions:
Autosomal recessive limb-girdle muscular dystrophy type 2J (LGMDR10). Also called: Limb-girdle muscular dystrophy, type 2J; MUSCULAR DYSTROPHY, LIMB-GIRDLE, AUTOSOMAL RECESSIVE 10. Identifiers: Orphanet 140922, MedGen C1837342, MONDO:0012127, OMIM 608807.
Dilated cardiomyopathy 1G (CMD1G). Identifiers: Orphanet 154, MedGen C1858763, MONDO:0011400, OMIM 604145.

Submissions (2):

Genomic Medicine Center of Excellence, King Faisal Specialist Hospital and Research Centre
Classification: Likely pathogenic for Dilated cardiomyopathy 1G. Last evaluated: 2025-09-10. Review status: criteria provided, single submitter. Criteria: ACMG Guidelines, 2015. Collection method: clinical testing. Allele origin: germline.

Labcorp Genetics (formerly Invitae), Labcorp
Classification: Likely pathogenic for Dilated cardiomyopathy 1G; Autosomal recessive limb-girdle muscular dystrophy type 2J. Last evaluated: 2024-07-24. Review status: criteria provided, single submitter. Criteria: Invitae Variant Classification Sherloc (09022015). Collection method: clinical testing. Allele origin: germline.
Comment: This sequence change affects a donor splice site in intron 321 of the TTN gene. It is expected to disrupt RNA splicing and likely results in a truncated or disrupted TTN protein. This variant is not present in population databases (gnomAD no frequency). This variant has not been reported in the literature in individuals affected with TTN-related conditions. Algorithms developed to predict the effect of sequence changes on RNA splicing suggest that this variant may disrupt the consensus splice site. This variant is located in the A band of TTN (PMID: 25589632). Truncating variants in this region are significantly overrepresented in patients affected with dilated cardiomyopathy (PMID: 25589632). Truncating variants in this region have also been reported in individuals affected with autosomal recessive centronuclear myopathy (PMID: 23975875). In summary, the currently available evidence indicates that the variant is pathogenic, but additional data are needed to prove that conclusively. Therefore, this variant has been classified as Likely Pathogenic.

Literature cited by the submitters: PubMed 25589632 (cited by Labcorp Genetics (formerly Invitae), Labcorp); PubMed 23975875 (cited by Labcorp Genetics (formerly Invitae), Labcorp).

NM_001267550.2(TTN):c.68329+2T>C

Genes: TTN (titin; minus strand), TTN-AS1 (TTN antisense RNA 1; plus strand), LOC126806423 (CDK7 strongly-dependent group 2 enhancer GRCh37_chr2:179443309-179444508; plus strand). Cytogenetic location: 2q31.2.
Variant type: single nucleotide variant.
Coding change: c.68329+2T>C on transcript NM_001267550.2 (MANE Select); the canonical splice donor site of the intron after coding-DNA position 68329, T replaced by C.
Molecular consequence: splice donor variant.
Genome position (GRCh38, 1-based): chr2:178,578,609, A>G on the plus strand (T>C on the coding strand, the complement: TTN is on the minus strand). VCF-style: chr2-178578609-A-G. GRCh37 (hg19) VCF-style: chr2-179443336-A-G.
Other names: c.41134+2T>C (NM_003319.4); c.41710+2T>C (NM_133437.4); c.41509+2T>C (NM_133432.3); c.60625+2T>C (NM_133378.4); c.63406+2T>C (NM_001256850.1).
Identifiers: ClinVar variation 3761452 (VCV003761452.3).
Genomic context (GRCh38, chr2:178,578,609, plus strand): 5'-TCAGGGAAATATTTGTGAGGAATCTTGATGTAAAAGCTGTAGGATAAGAACAAACAAAAT[A>G]CCTGTAATTGGAGAACCACCAGTTTTCTTGGGGTCAGTCCAAGTTAGAGATACTGAATCG-3'